The following is an entry in ClinVar:

NM_000094.4(COL7A1):c.6977C>T (p.Pro2326Leu)

Gene: COL7A1 (collagen type VII alpha 1 chain; minus strand). Cytogenetic location: 3p21.31.
Variant type: single nucleotide variant.
Coding change: c.6977C>T on transcript NM_000094.4 (MANE Select); coding-DNA position 6977, C replaced by T.
Protein change: p.Pro2326Leu; replaces proline 2326 with leucine.
Molecular consequence: missense variant.
Genome position (GRCh38, 1-based): chr3:48,572,381, G>A on the plus strand (C>T on the coding strand, the complement: COL7A1 is on the minus strand). VCF-style: chr3-48572381-G-A. GRCh37 (hg19) VCF-style: chr3-48609814-G-A.
Other names: short protein forms P2326L.
Identifiers: ClinVar variation 2417428 (VCV002417428.3), dbSNP rs763000800, ClinGen allele CA2378757.

ClinVar aggregate classification (germline): Uncertain significance (1 of 4 stars; one submission).

gnomAD v4.1: 9 of 1,614,100 alleles (0.00056%); highest among the groups gnomAD compares: Admixed American, 0.0017%; no homozygotes.

Submission:

Labcorp Genetics (formerly Invitae), Labcorp
Classification: Uncertain significance. Last evaluated: 2022-08-14. Review status: criteria provided, single submitter. Criteria: Invitae Variant Classification Sherloc (09022015). Collection method: clinical testing. Allele origin: germline.
Comment: This sequence change replaces proline, which is neutral and non-polar, with leucine, which is neutral and non-polar, at codon 2326 of the COL7A1 protein (p.Pro2326Leu). This variant is present in population databases (rs763000800, gnomAD 0.003%). This variant has not been reported in the literature in individuals affected with COL7A1-related conditions. Algorithms developed to predict the effect of missense changes on protein structure and function are either unavailable or do not agree on the potential impact of this missense change (SIFT: "Deleterious"; PolyPhen-2: "Probably Damaging"; Align-GVGD: "Class C0"). In summary, the available evidence is currently insufficient to determine the role of this variant in disease. Therefore, it has been classified as a Variant of Uncertain Significance.